The following is an entry in ClinVar:

NM_020182.5(PMEPA1):c.803C>T (p.Pro268Leu)

Gene: PMEPA1 (prostate transmembrane protein, androgen induced 1; minus strand). Cytogenetic location: 20q13.31.
Variant type: single nucleotide variant.
Coding change: c.803C>T on transcript NM_020182.5 (MANE Select); coding-DNA position 803, C replaced by T.
Protein change: p.Pro268Leu; replaces proline 268 with leucine.
Molecular consequence: missense variant.
Genome position (GRCh38, 1-based): chr20:57,652,114, G>A on the plus strand (C>T on the coding strand, the complement: PMEPA1 is on the minus strand). VCF-style: chr20-57652114-G-A. GRCh37 (hg19) VCF-style: chr20-56227170-G-A.
Other names: c.719C>T, p.Pro240Leu (NM_001255976.2); c.698C>T, p.Pro233Leu (NM_199169.3); c.653C>T, p.Pro218Leu (NM_199170.3, NM_199171.3); short protein forms P218L, P233L, P240L, P268L.
Identifiers: ClinVar variation 4533494 (VCV004533494.6).
Genomic context (GRCh38, chr20:57,652,114, plus strand): 5'-TAGAGAGGGTGTCCTTTCTGTTTATCCTTCTCTTTGCTCCAGATGGCTGCGCTCTCTAGG[G>A]GCGCGATGTGTGTGTGGTGGAGCCGGGTCCCCTCCAGCAAGGAGGGCGGCCCACTGCTCT-3'
Protein context (NP_064567.2, residues 258-278): GTRLHHTHIA[Pro268Leu]LESAAIWSKE

ClinVar aggregate classification (germline): Likely benign (1 of 4 stars; one submission).

gnomAD v4.1: 4,470 of 1,582,900 alleles (0.28%); highest among the groups gnomAD compares: Middle Eastern, 0.97%; 15 homozygotes.

Submission:

CeGaT Center for Human Genetics Tuebingen
Classification: Likely benign. Last evaluated: 2025-11-01. Review status: criteria provided, single submitter. Criteria: CeGaT Center For Human Genetics Tuebingen Variant Classification Criteria Version 2. Collection method: clinical testing. Allele origin: germline. Affected: yes. Observed: 1 variant allele.
Comment: PMEPA1: BP4, BS2